The following is an entry in ClinVar:

ClinVar aggregate classification (germline): Conflicting classifications of pathogenicity. Review status: criteria provided, conflicting classifications (1 of 4 stars). 19 submissions from 15 submitters: Uncertain significance (3); Benign (7); Likely benign (5). 4 of the submissions do not count toward it. Last evaluated 2026-02-03.

Conditions:
TTN-related disorder. Also called: TTN-related disorders; TTN-related condition; TTN-related disease.
Dilated cardiomyopathy 1G (CMD1G). Identifiers: Orphanet 154, MedGen C1858763, MONDO:0011400, OMIM 604145.
Autosomal recessive limb-girdle muscular dystrophy type 2J (LGMDR10). Also called: Limb-girdle muscular dystrophy, type 2J; MUSCULAR DYSTROPHY, LIMB-GIRDLE, AUTOSOMAL RECESSIVE 10. Identifiers: Orphanet 140922, MedGen C1837342, MONDO:0012127, OMIM 608807.
Cardiomyopathy (CMYO). Also called: Cardiomyopathies. Identifiers: Orphanet 167848, MedGen C0878544, MONDO:0004994, HP:0001638. Inheritance: Various modes of inheritance.
Myopathy, myofibrillar, 9, with early respiratory failure (MFM9). Also called: Hereditary myopathy with early respiratory failure; MYOPATHY, PROXIMAL, WITH EARLY RESPIRATORY MUSCLE INVOLVEMENT; Myopathy, distal, with early respiratory failure, autosomal dominant; EDSTROM MYOPATHY. Identifiers: Orphanet 178464, Orphanet 34521, MedGen C1863599, MONDO:0011362, OMIM 603689.
Tibial muscular dystrophy (TMD). Also called: UDD MYOPATHY; Tibial muscular dystrophy, tardive; Udd Distal Myopathy – Tibial Muscular Dystrophy. Identifiers: Orphanet 609, MedGen C1838244, MONDO:0010870, OMIM 600334.
Early-onset myopathy with fatal cardiomyopathy (CMYO5). Also called: Salih Myopathy; CONGENITAL MYOPATHY 5 WITH CARDIOMYOPATHY. Identifiers: Orphanet 289377, MedGen C2673677, MONDO:0012714, OMIM 611705. Disease mechanism: loss of function.

Allele frequency attached by ClinVar (database versions not stated): gnomAD exomes 0.00016 and 0.00029; ExAC 0.00027; gnomAD 0.00113 and 0.00130; 1000 Genomes Project 0.00120; ESP Exome Variant Server 0.00159; 1000 Genomes Project 30x 0.00125; TOPMed 0.00129.
gnomAD v4.1: 401 of 1,613,690 alleles (0.025%); highest among the groups gnomAD compares: African/African-American, 0.47%; 2 homozygotes.

Submissions (19):

Labcorp Genetics (formerly Invitae), Labcorp
Classification: Benign for Dilated cardiomyopathy 1G; Autosomal recessive limb-girdle muscular dystrophy type 2J. Last evaluated: 2026-02-03. Review status: criteria provided, single submitter. Criteria: Invitae Variant Classification Sherloc (09022015). Collection method: clinical testing. Allele origin: germline.

Molecular Diagnostic Laboratory for Inherited Cardiovascular Disease, Montreal Heart Institute
Classification: Benign. Last evaluated: 2025-04-09. Review status: criteria provided, single submitter. Criteria: ACMG Guidelines, 2015. Collection method: clinical testing. Allele origin: germline. Affected: no.

Mayo Clinic Laboratories, Mayo Clinic
Classification: Likely benign. Last evaluated: 2025-03-24. Review status: criteria provided, single submitter. Criteria: ACMG Guidelines, 2015. Collection method: clinical testing. Allele origin: germline. Observed: 3 variant alleles.

Blueprint Genetics
Classification: Likely benign. Last evaluated: 2024-08-06. Review status: criteria provided, single submitter. Criteria: ACMG Guidelines, 2015. Collection method: clinical testing. Allele origin: germline.

CeGaT Center for Human Genetics Tuebingen
Classification: Likely benign. Last evaluated: 2024-04-01. Review status: criteria provided, single submitter. Criteria: CeGaT Center For Human Genetics Tuebingen Variant Classification Criteria Version 2. Collection method: clinical testing. Allele origin: germline. Affected: yes. Observed: 1 variant allele.
Comment: TTN: BP4, BS2

Women's Health and Genetics/Laboratory Corporation of America, LabCorp
Classification: Likely benign. Last evaluated: 2021-11-29. Review status: criteria provided, single submitter. Criteria: LabCorp Variant Classification Summary - May 2015. Collection method: clinical testing. Allele origin: germline.

Illumina Laboratory Services, Illumina
Classification: Uncertain significance for Dilated cardiomyopathy 1G. Last evaluated: 2018-01-12. Review status: criteria provided, single submitter. Criteria: ICSL Variant Classification Criteria 13 December 2019. Collection method: clinical testing. Allele origin: germline.

Illumina Laboratory Services, Illumina
Classification: Benign for Tibial muscular dystrophy. Last evaluated: 2018-01-12. Review status: criteria provided, single submitter. Criteria: ICSL Variant Classification Criteria 13 December 2019. Collection method: clinical testing. Allele origin: germline.
Comment: This variant was observed in the ICSL laboratory as part of a predisposition screen in an ostensibly healthy population. It had not been previously curated by ICSL or reported in the Human Gene Mutation Database (HGMD: prior to June 1st, 2018), and was therefore a candidate for classification through an automated scoring system. Utilizing variant allele frequency, disease prevalence and penetrance estimates, and inheritance mode, an automated score was calculated to assess if this variant is too frequent to cause the disease. Based on the score and internal cut-off values, a variant classified as benign is not then subjected to further curation. The score for this variant resulted in a classification of benign for this disease.

Illumina Laboratory Services, Illumina
Classification: Benign for Myopathy, myofibrillar, 9, with early respiratory failure. Last evaluated: 2018-01-12. Review status: criteria provided, single submitter. Criteria: ICSL Variant Classification Criteria 13 December 2019. Collection method: clinical testing. Allele origin: germline.
Comment: the same text as in the submission from Illumina Laboratory Services, Illumina above.

Illumina Laboratory Services, Illumina
Classification: Uncertain significance for Autosomal recessive limb-girdle muscular dystrophy type 2J. Last evaluated: 2018-01-12. Review status: criteria provided, single submitter. Criteria: ICSL Variant Classification Criteria 13 December 2019. Collection method: clinical testing. Allele origin: germline.

Illumina Laboratory Services, Illumina
Classification: Uncertain significance for Early-onset myopathy with fatal cardiomyopathy. Last evaluated: 2018-01-12. Review status: criteria provided, single submitter. Criteria: ICSL Variant Classification Criteria 13 December 2019. Collection method: clinical testing. Allele origin: germline.

CHEO Genetics Diagnostic Laboratory, Children's Hospital of Eastern Ontario
Classification: Benign for Cardiomyopathy. Last evaluated: 2016-10-11. Review status: criteria provided, single submitter. Criteria: ACMG Guidelines, 2015. Collection method: clinical testing. Allele origin: germline. Study: Canadian Open Genetics Repository.

Eurofins Ntd Llc (ga)
Classification: Likely benign. Last evaluated: 2016-07-12. Review status: criteria provided, single submitter. Criteria: EGL Classification Definitions 2015. Collection method: clinical testing. Allele origin: germline. Observed: 4 variant alleles, 4 heterozygotes.

GeneDx
Classification: Benign. Last evaluated: 2014-02-20. Review status: criteria provided, single submitter. Criteria: GeneDx Variant Classification (06012015). Collection method: clinical testing. Allele origin: germline. Affected: yes.
Comment: This variant is considered likely benign or benign based on one or more of the following criteria: it is a conservative change, it occurs at a poorly conserved position in the protein, it is predicted to be benign by multiple in silico algorithms, and/or has population frequency not consistent with disease.

Laboratory for Molecular Medicine, Mass General Brigham Personalized Medicine
Classification: Benign. Last evaluated: 2012-03-19. Review status: criteria provided, single submitter. Criteria: LMM Criteria. Collection method: clinical testing. Allele origin: germline. Observed: 1 variant allele.
Comment: p.Phe8603Phe in Exon 100 of TTN: This variant is not expected to have clinical s ignificance because it does not alter an amino acid residue, is not located with in the splice consensus sequence and has been identified in 0.6% (17/3072) of Af rican American chromosomes from a broad population by the NHLBI Exome Sequencing Project (dbSNP rs56812642).

PreventionGenetics, part of Exact Sciences
Classification: Likely benign for TTN-related condition. Last evaluated: 2019-06-14. Review status: no assertion criteria provided. Collection method: clinical testing. Allele origin: germline. Not counted in ClinVar's aggregate classification.
Comment: This variant is classified as likely benign based on ACMG/AMP sequence variant interpretation guidelines (Richards et al. 2015 PMID: 25741868, with internal and published modifications).

Clinical Genetics DNA and cytogenetics Diagnostics Lab, Erasmus MC, Erasmus Medical Center
Classification: Likely benign. Review status: no assertion criteria provided. Collection method: clinical testing. Allele origin: germline. Affected: yes. Study: VKGL Data-share Consensus. Not counted in ClinVar's aggregate classification.

Clinical Genetics, Academic Medical Center
Classification: Benign. Review status: no assertion criteria provided. Collection method: clinical testing. Allele origin: germline. Affected: yes. Study: VKGL Data-share Consensus. Not counted in ClinVar's aggregate classification.

Diagnostic Laboratory, Department of Genetics, University Medical Center Groningen
Classification: Likely benign. Review status: no assertion criteria provided. Collection method: clinical testing. Allele origin: germline. Affected: yes. Study: VKGL Data-share Consensus. Not counted in ClinVar's aggregate classification.

NM_001267550.2(TTN):c.29541C>T (p.Phe9847=)

Gene: TTN (titin; minus strand). Cytogenetic location: 2q31.2.
Variant type: single nucleotide variant.
Coding change: c.29541C>T on transcript NM_001267550.2 (MANE Select); coding-DNA position 29541, C replaced by T.
Protein change: p.Phe9847=; no amino-acid change (phenylalanine 9847 retained).
Molecular consequence: synonymous variant. On other transcripts: intron variant (3).
Genome position (GRCh38, 1-based): chr2:178,705,237, G>A on the plus strand (C>T on the coding strand, the complement: TTN is on the minus strand). VCF-style: chr2-178705237-G-A. GRCh37 (hg19) VCF-style: chr2-179569964-G-A.
Other names: p.F9530F:TTC>TTT; p.Phe9530=; c.28590C>T, p.Phe9530= (NM_001256850.1); c.25809C>T, p.Phe8603= (NM_133378.4); c.13282+32845C>T (NM_003319.4); c.13858+32845C>T (NM_133437.4); c.13657+32845C>T (NM_133432.3).
Identifiers: ClinVar variation 137776 (VCV000137776.53), dbSNP rs56812642, ClinGen allele CA295544.